The following is an entry in ClinVar:

NM_001966.4(EHHADH):c.1897C>T (p.Arg633Cys)

Gene: EHHADH (enoyl-CoA hydratase and 3-hydroxyacyl CoA dehydrogenase; minus strand). Cytogenetic location: 3q27.2.
Variant type: single nucleotide variant.
Coding change: c.1897C>T on transcript NM_001966.4 (MANE Select); coding-DNA position 1897, C replaced by T.
Protein change: p.Arg633Cys; replaces arginine 633 with cysteine.
Molecular consequence: missense variant.
Genome position (GRCh38, 1-based): chr3:185,192,501, G>A on the plus strand (C>T on the coding strand, the complement: EHHADH is on the minus strand). VCF-style: chr3-185192501-G-A. GRCh37 (hg19) VCF-style: chr3-184910289-G-A.
Other names: p.Arg633Cys; c.1897C>T (NM_001966.3); c.1609C>T, p.Arg537Cys (NM_001166415.2); short protein forms R633C, R537C.
Identifiers: ClinVar variation 501719 (VCV000501719.7), dbSNP rs201374672, ClinGen allele CA2738898.

ClinVar aggregate classification (germline): Uncertain significance. Review status: criteria provided, multiple submitters, no conflicts (2 of 4 stars). 3 submissions from 3 submitters: Uncertain significance (2). 1 of the submissions does not count toward it. Last evaluated 2024-12-20.

Conditions:
EHHADH-related disorder. Also called: EHHADH-related condition.

Allele frequency attached by ClinVar (database versions not stated): gnomAD exomes 0.00003 and 0.00006; gnomAD 0.00003 and 0.00004; TOPMed 0.00003; 1000 Genomes Project 30x 0.00031; 1000 Genomes Project 0.00040; ExAC 0.00005.

Submissions (3):

Mayo Clinic Laboratories, Mayo Clinic
Classification: Uncertain significance. Last evaluated: 2024-12-20. Review status: criteria provided, single submitter. Criteria: ACMG Guidelines, 2015. Collection method: clinical testing. Allele origin: germline. Observed: 1 variant allele.
Comment: PP3_moderate, PM2_supporting

Eurofins Ntd Llc (ga)
Classification: Uncertain significance. Last evaluated: 2017-05-02. Review status: criteria provided, single submitter. Criteria: EGL Classification Definitions 2015. Collection method: clinical testing. Allele origin: germline. Observed: 1 variant allele, 1 heterozygote.

PreventionGenetics, part of Exact Sciences
Classification: Uncertain significance for EHHADH-related condition. Last evaluated: 2023-10-18. Review status: no assertion criteria provided. Collection method: clinical testing. Allele origin: germline. Not counted in ClinVar's aggregate classification.
Comment: The EHHADH c.1897C>T variant is predicted to result in the amino acid substitution p.Arg633Cys. To our knowledge, this variant has not been reported in association with Fanconi renotubular syndrome. This variant was reported with de novo occurrence in an individual with autism (Zhou et al 2022. PubMed ID: 35982159, supplementary data 1); however, this gene-disease association is not otherwise well supported. This variant is reported in 0.030% of alleles in individuals of East Asian descent in gnomAD, which may be too common to be a primary cause of disease. Although we suspect this variant may be benign, at this time, the clinical significance is uncertain due to the absence of conclusive functional and genetic evidence.

Literature cited by the submitters: PubMed 35982159 (cited by Mayo Clinic Laboratories, Mayo Clinic).